The following is an entry in ClinVar:

NM_024675.4(PALB2):c.378A>G (p.Glu126=)

Gene: PALB2 (partner and localizer of BRCA2; minus strand). Cytogenetic location: 16p12.2.
Variant type: single nucleotide variant.
Coding change: c.378A>G on transcript NM_024675.4 (MANE Select); coding-DNA position 378, A replaced by G.
Protein change: p.Glu126=; no amino-acid change (glutamic acid 126 retained).
Molecular consequence: synonymous variant.
Genome position (GRCh38, 1-based): chr16:23,636,168, T>C on the plus strand (A>G on the coding strand, the complement: PALB2 is on the minus strand). VCF-style: chr16-23636168-T-C. GRCh37 (hg19) VCF-style: chr16-23647489-T-C.
Identifiers: ClinVar variation 1106878 (VCV001106878.13), dbSNP rs2142444796, ClinGen allele CA494462240.

ClinVar aggregate classification (germline): Benign/Likely benign. Review status: criteria provided, multiple submitters, no conflicts (2 of 4 stars). 3 submissions from 3 submitters: Benign (1); Likely benign (2). Last evaluated 2025-01-10.

Conditions:
Familial cancer of breast. Also called: BREAST CANCER, FAMILIAL; Hereditary breast cancer; hereditary breast carcinoma. Identifiers: Orphanet 227535, MedGen C0346153, MONDO:0016419, OMIM 114480. Disease mechanism: loss of function.
Hereditary cancer-predisposing syndrome. Also called: Tumor predisposition; Neoplastic Syndromes, Hereditary; Hereditary Cancer Syndrome; Hereditary neoplastic syndrome. Identifiers: Orphanet 140162, MedGen C0027672, MeSH D009386, MONDO:0015356.

Submissions (3):

Myriad Genetics, Inc.
Classification: Benign for Familial cancer of breast. Last evaluated: 2025-01-10. Review status: criteria provided, single submitter. Criteria: Myriad Autosomal Dominant, Autosomal Recessive and X-Linked Classification Criteria (2023). Collection method: clinical testing. Allele origin: unknown.
Comment: This variant is considered benign. This variant is a silent/synonymous amino acid change and it is not expected to impact splicing.

Labcorp Genetics (formerly Invitae), Labcorp
Classification: Likely benign for Familial cancer of breast. Last evaluated: 2023-04-16. Review status: criteria provided, single submitter. Criteria: Invitae Variant Classification Sherloc (09022015). Collection method: clinical testing. Allele origin: germline.

Color Diagnostics, LLC DBA Color Health
Classification: Likely benign for Hereditary cancer-predisposing syndrome. Last evaluated: 2022-12-24. Review status: criteria provided, single submitter. Criteria: ACMG Guidelines, 2015. Collection method: clinical testing. Allele origin: germline.